The following is an entry in ClinVar:

ClinVar aggregate classification (germline): Uncertain significance (1 of 4 stars; one submission).

Allele frequency attached by ClinVar (database versions not stated): gnomAD 0.00005.
gnomAD v4.1: 13 of 1,613,748 alleles (0.00081%); highest among the groups gnomAD compares: Admixed American, 0.0067%; no homozygotes.

Submission:

GeneDx
Classification: Uncertain significance. Last evaluated: 2022-11-09. Review status: criteria provided, single submitter. Criteria: GeneDx Variant Classification Process June 2021. Collection method: clinical testing. Allele origin: germline. Affected: yes.
Comment: In silico analysis supports that this missense variant has a deleterious effect on protein structure/function; Has not been previously published as pathogenic or benign to our knowledge

NM_006946.4(SPTBN2):c.6166G>A (p.Glu2056Lys)

Gene: SPTBN2 (spectrin beta, non-erythrocytic 2; minus strand). Cytogenetic location: 11q13.2.
Variant type: single nucleotide variant.
Coding change: c.6166G>A on transcript NM_006946.4 (MANE Select); coding-DNA position 6166, G replaced by A.
Protein change: p.Glu2056Lys; replaces glutamic acid 2056 with lysine.
Molecular consequence: missense variant.
Genome position (GRCh38, 1-based): chr11:66,688,718, C>T on the plus strand (G>A on the coding strand, the complement: SPTBN2 is on the minus strand). VCF-style: chr11-66688718-C-T. GRCh37 (hg19) VCF-style: chr11-66456189-C-T.
Other names: c.6187G>A, p.Glu2063Lys (NM_001411025.1); short protein forms E2056K, E2063K.
Identifiers: ClinVar variation 1723647 (VCV001723647.2), dbSNP rs774407429, ClinGen allele CA224075858.